The following is an entry in ClinVar:

ClinVar aggregate classification (germline): Pathogenic. Review status: criteria provided, single submitter (1 of 4 stars). 3 submissions from 2 submitters: Pathogenic (2). 1 of the submissions does not count toward it. Last evaluated 2023-11-13.

Conditions:
Ellis-van Creveld syndrome (EVC). Also called: MESOECTODERMAL DYSPLASIA; Chondroectodermal dysplasia; EVC-Related Ellis-van Creveld Syndrome; EVC2-Related Ellis-van Creveld Syndrome. Identifiers: Orphanet 289, MedGen C0013903, MONDO:0009162, OMIM 225500.
Curry-Hall syndrome (WAD). Also called: WEYERS ACRODENTAL DYSOSTOSIS. Identifiers: Orphanet 952, MedGen C0457013, MONDO:0008673, OMIM 193530.

Submissions (3):

Labcorp Genetics (formerly Invitae), Labcorp
Classification: Pathogenic for Curry-Hall syndrome; Ellis-van Creveld syndrome. Last evaluated: 2023-11-13. Review status: criteria provided, single submitter. Criteria: Invitae Variant Classification Sherloc (09022015). Collection method: clinical testing. Allele origin: germline.
Comment: This sequence change creates a premature translational stop signal (p.Glu514Argfs*33) in the EVC gene. It is expected to result in an absent or disrupted protein product. Loss-of-function variants in EVC are known to be pathogenic (PMID: 23220543). This variant is not present in population databases (gnomAD no frequency). This variant has not been reported in the literature in individuals affected with EVC-related conditions. ClinVar contains an entry for this variant (Variation ID: 455998). For these reasons, this variant has been classified as Pathogenic.

Labcorp Genetics (formerly Invitae), Labcorp
Classification: Pathogenic for Ellis-van Creveld syndrome. Last evaluated: 2017-08-10. Review status: criteria provided, single submitter. Criteria: Invitae Variant Classification Sherloc (09022015). Collection method: clinical testing. Allele origin: germline.
Comment: This sequence change creates a premature translational stop signal (p.Glu514Argfs*33) in the EVC gene. It is expected to result in an absent or disrupted protein product. This variant is not present in population databases (ExAC no frequency). This variant has not been reported in the literature in individuals with EVC-related disease. Loss-of-function variants in EVC are known to be pathogenic (PMID: 23220543). For these reasons, this variant has been classified as Pathogenic.

Counsyl
Classification: Likely pathogenic for Ellis-van Creveld syndrome. Last evaluated: 2017-03-08. Review status: no assertion criteria provided. Collection method: clinical testing. Allele origin: unknown. Not counted in ClinVar's aggregate classification.

Literature cited by the submitters: PubMed 23220543 (cited by Labcorp Genetics (formerly Invitae), Labcorp).

NM_153717.3(EVC):c.1539del (p.Glu514fs)

Gene: EVC (EvC ciliary complex subunit 1; plus strand). Cytogenetic location: 4p16.2.
Variant type: Deletion.
Coding change: c.1539del on transcript NM_153717.3 (MANE Select); coding-DNA position 1539, one base deleted (C; older notation c.1539delC).
Protein change: p.Glu514fs; shifts the reading frame from glutamic acid 514.
Molecular consequence: frameshift variant.
Genome position (GRCh38, 1-based): chr4:5,756,338, C deleted; the last of 2 consecutive C bases (chr4:5,756,337-5,756,338); deleting either gives the same sequence. VCF-style (leftmost placement, unchanged base first): chr4-5756336-AC-A. GRCh37 (hg19) VCF-style: chr4-5758063-AC-A.
Other names: c.1539del, p.Glu514fs (NM_001306090.2, NM_001306092.2); short protein forms E514fs.
Identifiers: ClinVar variation 455998 (VCV000455998.10), dbSNP rs759106605, ClinGen allele CA91745973.